The following is an entry in ClinVar:

ClinVar aggregate classification (germline): Pathogenic (1 of 4 stars; one submission).

Conditions:
Alveolar capillary dysplasia with pulmonary venous misalignment. Also called: Congenital alveolar capillary dysplasia; Alveolar capillary dysplasia with misalignment of pulmonary veins; ALVEOLAR CAPILLARY DYSPLASIA WITH MISALIGNMENT OF PULMONARY VEINS AND OTHER CONGENITAL ANOMALIES. Identifiers: Orphanet 210122, MedGen C2960310, MONDO:0009934, OMIM 265380.

Submission:

Department of Human Genetics, Hannover Medical School
Classification: Pathogenic for Alveolar capillary dysplasia with pulmonary venous misalignment. Last evaluated: 2026-02-09. Review status: criteria provided, single submitter. Criteria: ACMG Guidelines, 2015. Collection method: clinical testing. Allele origin: germline. Affected: yes.
Comment: ACMG/SVI: PVS1, PS2, PM2_Supporting, PP4_Moderate, PP1

NM_001451.3(FOXF1):c.245_246insA (p.Phe82fs)

Genes: FOXF1 (forkhead box F1; plus strand), FENDRR (FOXF1 adjacent non-coding developmental regulatory RNA; minus strand). Cytogenetic location: 16q24.1.
Variant type: Insertion.
Coding change: c.245_246insA on transcript NM_001451.3 (MANE Select); coding-DNA positions 245 to 246, A inserted.
Protein change: p.Phe82fs; shifts the reading frame from phenylalanine 82.
Molecular consequence: frameshift variant.
Genome position: GRCh38 VCF-style: chr16-86510814-T-TA. GRCh37 (hg19) VCF-style: chr16-86544420-T-TA.
Other names: short protein forms F82fs.
Identifiers: ClinVar variation 4755386 (VCV004755386.1).
Genomic context (GRCh38, chr16:86,510,814, plus strand): 5'-AGAGTTCACCCACCAAGCGCCTGACGCTGAGCGAGATCTACCAGTTCCTGCAGAGCCGCT[T>TA]CCCCTTCTTCCGGGGCTCCTACCAGGGCTGGAAGAACTCCGTGCGCCACAACCTCTCGCT-3'